The following is an entry in ClinVar:

NM_016335.6(PRODH):c.131C>G (p.Thr44Arg)

Gene: PRODH (proline dehydrogenase 1; minus strand). Cytogenetic location: 22q11.21.
Variant type: single nucleotide variant.
Coding change: c.131C>G on transcript NM_016335.6 (MANE Select); coding-DNA position 131, C replaced by G.
Protein change: p.Thr44Arg; replaces threonine 44 with arginine.
Molecular consequence: missense variant. On other transcripts: intron variant (1).
Genome position (GRCh38, 1-based): chr22:18,936,157, G>C on the plus strand (C>G on the coding strand, the complement: PRODH is on the minus strand). VCF-style: chr22-18936157-G-C. GRCh37 (hg19) VCF-style: chr22-18923670-G-C.
Other names: c.-52+233C>G (NM_001195226.2); short protein forms T44R.
Identifiers: ClinVar variation 935144 (VCV000935144.9), dbSNP rs562183461, ClinGen allele CA10095501.

ClinVar aggregate classification (germline): Uncertain significance (1 of 4 stars; one submission).

Conditions:
Proline dehydrogenase deficiency (HYRPRO1). Also called: Hyperprolinemia type 1; PROLINE OXIDASE DEFICIENCY. Identifiers: Orphanet 419, MedGen C0268529, MONDO:0009400, OMIM 239500.

Allele frequency attached by ClinVar (database versions not stated): gnomAD exomes 0.00001; ExAC 0.00012; 1000 Genomes Project 0.00060.

Submission:

Labcorp Genetics (formerly Invitae), Labcorp
Classification: Uncertain significance for Proline dehydrogenase deficiency. Last evaluated: 2019-10-04. Review status: criteria provided, single submitter. Criteria: Invitae Variant Classification Sherloc (09022015). Collection method: clinical testing. Allele origin: germline.
Comment: The frequency data for this variant in the population databases is considered unreliable, as metrics indicate poor data quality at this position in the ExAC database. In summary, the available evidence is currently insufficient to determine the role of this variant in disease. Therefore, it has been classified as a Variant of Uncertain Significance. Algorithms developed to predict the effect of missense changes on protein structure and function output the following: SIFT: "Tolerated"; PolyPhen-2: "Benign"; Align-GVGD: "Class C0". The arginine amino acid residue is found in multiple mammalian species, suggesting that this missense change does not adversely affect protein function. These predictions have not been confirmed by published functional studies and their clinical significance is uncertain. This variant has not been reported in the literature in individuals with PRODH-related conditions. This sequence change replaces threonine with arginine at codon 44 of the PRODH protein (p.Thr44Arg). The threonine residue is weakly conserved and there is a moderate physicochemical difference between threonine and arginine.